The following is an entry in ClinVar:

ClinVar aggregate classification (germline): Uncertain significance (1 of 4 stars; one submission).

Conditions:
EPHA2-related disorder. Also called: EPHA2-related condition.

gnomAD v4.1: 20 of 1,613,512 alleles (0.0012%); highest among the groups gnomAD compares: African/African-American, 0.023%; no homozygotes.

Submission:

PreventionGenetics, part of Exact Sciences
Classification: Uncertain significance for EPHA2-related condition. Last evaluated: 2024-12-06. Review status: criteria provided, single submitter. Criteria: ACMG Guidelines, 2015. Collection method: clinical testing. Allele origin: germline.
Comment: The EPHA2 c.175A>T variant is predicted to result in the amino acid substitution p.Met59Leu. To our knowledge, this variant has not been reported in the literature. This variant is reported in 0.031% of alleles in individuals of African descent in gnomAD, which may be too frequent for a disease-causing variant. Although we suspect that this variant may be benign, at this time, the clinical significance of this variant is uncertain due to the absence of conclusive functional and genetic evidence.

NM_004431.5(EPHA2):c.175A>T (p.Met59Leu)

Gene: EPHA2 (EPH receptor A2; minus strand). Cytogenetic location: 1p36.13.
Variant type: single nucleotide variant.
Coding change: c.175A>T on transcript NM_004431.5 (MANE Select); coding-DNA position 175, A replaced by T.
Protein change: p.Met59Leu; replaces methionine 59 with leucine.
Molecular consequence: missense variant.
Genome position (GRCh38, 1-based): chr1:16,149,026, T>A on the plus strand (A>T on the coding strand, the complement: EPHA2 is on the minus strand). VCF-style: chr1-16149026-T-A. GRCh37 (hg19) VCF-style: chr1-16475521-T-A.
Other names: c.13A>T, p.Met5Leu (NM_001329090.2); short protein forms M59L, M5L.
Identifiers: ClinVar variation 4995217 (VCV004995217.1).